The following is an entry in ClinVar:

NM_004380.3(CREBBP):c.7058G>A (p.Arg2353Gln)

Gene: CREBBP (CREB binding lysine acetyltransferase; minus strand). Cytogenetic location: 16p13.3.
Variant type: single nucleotide variant.
Coding change: c.7058G>A on transcript NM_004380.3 (MANE Select); coding-DNA position 7058, G replaced by A.
Protein change: p.Arg2353Gln; replaces arginine 2353 with glutamine.
Molecular consequence: missense variant.
Genome position (GRCh38, 1-based): chr16:3,727,989, C>T on the plus strand (G>A on the coding strand, the complement: CREBBP is on the minus strand). VCF-style: chr16-3727989-C-T. GRCh37 (hg19) VCF-style: chr16-3777990-C-T.
Other names: c.6944G>A, p.Arg2315Gln (NM_001079846.1); short protein forms R2315Q, R2353Q.
Identifiers: ClinVar variation 2646129 (VCV002646129.24), dbSNP rs1423752547, ClinGen allele CA394550659.
Genomic context (GRCh38, chr16:3,727,989, plus strand): 5'-GGCGAAGGCTGGGGCTGTATCCGTGGTGACGGGCTGGAATGTGGAGGCTGGGACTGGGGC[C>T]GTGGAGACTGGACAGGGGCTGGAGACCGCACCTGGTTACTAAGGGACGTGGCGATCTGCT-3'
Protein context (NP_004371.2, residues 2343-2363): VRSPAPVQSP[Arg2353Gln]PQSQPPHSSP

ClinVar aggregate classification (germline): Likely benign (1 of 4 stars; one submission).

Allele frequency attached by ClinVar (database versions not stated): TOPMed 0.00001; gnomAD 0.00002.
gnomAD v4.1: 10 of 1,609,098 alleles (0.00062%); highest among the groups gnomAD compares: African/African-American, 0.0027%; no homozygotes.

Submission:

CeGaT Center for Human Genetics Tuebingen
Classification: Likely benign. Last evaluated: 2023-07-01. Review status: criteria provided, single submitter. Criteria: CeGaT Center For Human Genetics Tuebingen Variant Classification Criteria Version 2. Collection method: clinical testing. Allele origin: germline. Affected: yes. Observed: 1 variant allele.
Comment: CREBBP: BS2